The following is an entry in ClinVar:

NM_000051.4(ATM):c.1358C>G (p.Pro453Arg)

Gene: ATM (ATM serine/threonine kinase; plus strand). Cytogenetic location: 11q22.3.
Variant type: single nucleotide variant.
Coding change: c.1358C>G on transcript NM_000051.4 (MANE Select); coding-DNA position 1358, C replaced by G.
Protein change: p.Pro453Arg; replaces proline 453 with arginine.
Molecular consequence: missense variant.
Genome position (GRCh38, 1-based): chr11:108,250,823, C>G. VCF-style: chr11-108250823-C-G. GRCh37 (hg19) VCF-style: chr11-108121550-C-G.
Other names: c.1358C>G, p.Pro453Arg (NM_001351834.2); short protein forms P453R.
Identifiers: ClinVar variation 4169170 (VCV004169170.1).
Genomic context (GRCh38, chr11:108,250,823, plus strand): 5'-CTCCATTACTGATGATACTATCTCAGCTTCTACCCCAACAGCGACATGGGGAACGTACAC[C>G]ATATGTGTTACGATGCCTTACGGAAGTTGCATTGTGTCAAGACAAGAGGTCAAACCTAGA-3'
Protein context (NP_000042.3, residues 443-463): LPQQRHGERT[Pro453Arg]YVLRCLTEVA

ClinVar aggregate classification (germline): Uncertain significance (1 of 4 stars; one submission).

Conditions:
Hereditary cancer-predisposing syndrome. Also called: Neoplastic Syndromes, Hereditary; Tumor predisposition; Hereditary Cancer Syndrome; Hereditary neoplastic syndrome. Identifiers: Orphanet 140162, MedGen C0027672, MeSH D009386, MONDO:0015356.

Submission:

Ambry Genetics
Classification: Uncertain significance for Hereditary cancer-predisposing syndrome. Last evaluated: 2025-07-15. Review status: criteria provided, single submitter. Criteria: Ambry Variant Classification Scheme 2023. Collection method: clinical testing. Allele origin: germline.
Comment: The p.P453R variant (also known as c.1358C>G), located in coding exon 9 of the ATM gene, results from a C to G substitution at nucleotide position 1358. The proline at codon 453 is replaced by arginine, an amino acid with dissimilar properties. This amino acid position is well conserved in available vertebrate species. In addition, this alteration is predicted to be tolerated by in silico analysis. Based on the available evidence, the clinical significance of this variant remains unclear.